The following is an entry in ClinVar:

NM_001134831.2(AHI1):c.2053del (p.Glu684_Ile685insTer)

Gene: AHI1 (Abelson helper integration site 1; minus strand). Cytogenetic location: 6q23.3.
Variant type: Deletion.
Coding change: c.2053del on transcript NM_001134831.2 (MANE Select); coding-DNA position 2053, one base deleted (A; older notation c.2053delA).
Protein change: p.Glu684_Ile685insTer.
Molecular consequence: nonsense.
Genome position (GRCh38, 1-based): chr6:135,433,240, T deleted on the plus strand (A on the coding strand, the reverse complement: AHI1 is on the minus strand); the first of 3 consecutive T bases (chr6:135,433,240-135,433,242); deleting any one gives the same sequence. VCF-style (leftmost placement, unchanged base first): chr6-135433239-AT-A. GRCh37 (hg19) VCF-style: chr6-135754377-AT-A.
Other names: c.2053del, p.Glu684_Ile685insTer (NM_001134830.2, NM_001134832.2, NM_001350503.2 and 2 more transcripts).
Identifiers: ClinVar variation 4799432 (VCV004799432.1).

ClinVar aggregate classification (germline): Pathogenic (1 of 4 stars; one submission).

Conditions:
Joubert syndrome. Also called: Familial aplasia of the vermis; JOUBERT-BOLTSHAUSER SYNDROME; CEREBELLOPARENCHYMAL DISORDER IV. Identifiers: Orphanet 475, MedGen C5979921, MONDO:0018772.

Submission:

Labcorp Genetics (formerly Invitae), Labcorp
Classification: Pathogenic for Joubert syndrome. Last evaluated: 2025-09-22. Review status: criteria provided, single submitter. Criteria: Invitae Variant Classification Sherloc (09022015). Collection method: clinical testing. Allele origin: germline.
Comment: This sequence change creates a premature translational stop signal (p.Ile685*) in the AHI1 gene. It is expected to result in an absent or disrupted protein product. Loss-of-function variants in AHI1 are known to be pathogenic (PMID: 15322546, 16453322, 28442542, 29186038). This variant is not present in population databases (gnomAD no frequency). This variant has not been reported in the literature in individuals affected with AHI1-related conditions. For these reasons, this variant has been classified as Pathogenic.

Literature cited by the submitters: PubMed 15322546; PubMed 16453322; PubMed 28442542; PubMed 29186038.